The following is an entry in ClinVar:

ClinVar aggregate classification (germline): Uncertain significance (1 of 4 stars; one submission).

Allele frequency attached by ClinVar (database versions not stated): gnomAD exomes 0.00001; ExAC 0.00002.

Submission:

Labcorp Genetics (formerly Invitae), Labcorp
Classification: Uncertain significance. Last evaluated: 2025-10-22. Review status: criteria provided, single submitter. Criteria: Invitae Variant Classification Sherloc (09022015). Collection method: clinical testing. Allele origin: germline.
Comment: This variant, c.472_477del, results in the deletion of 2 amino acid(s) of the MOCS2B protein (p.Leu158_Lys159del), but otherwise preserves the integrity of the reading frame. This variant is present in population databases (rs770831815, gnomAD 0.002%). This variant has been observed in individuals with MOCS2B-related conditions (PMID: 12754701, 36980992). ClinVar contains an entry for this variant (Variation ID: 1492345). Experimental studies and prediction algorithms are not available or were not evaluated, and the functional significance of this variant is currently unknown. In summary, the available evidence is currently insufficient to determine the role of this variant in disease. Therefore, it has been classified as a Variant of Uncertain Significance.

Literature cited by the submitters: PubMed 12754701; PubMed 36980992.

NM_004531.5(MOCS2):c.472_477del (p.Leu158_Lys159del)

Gene: MOCS2 (molybdenum cofactor synthesis 2; minus strand). Cytogenetic location: 5q11.2.
Variant type: Deletion.
Coding change: c.472_477del on transcript NM_004531.5 (MANE Select); coding-DNA positions 472 to 477, 6 bases deleted (TTAAAA; older notation c.472_477delTTAAAA).
Protein change: p.Leu158_Lys159del.
Molecular consequence: inframe deletion. On other transcripts: 3 prime UTR variant (1).
Genome position (GRCh38, 1-based): chr5:53,100,435-53,100,440, TTTTAA deleted on the plus strand (TTAAAA on the coding strand, the reverse complement: MOCS2 is on the minus strand). VCF-style (leftmost placement, unchanged base first): chr5-53100434-CTTTTAA-C. GRCh37 (hg19) VCF-style: chr5-52396264-CTTTTAA-C.
Other names: c.*392_*397del (NM_176806.4).
Identifiers: ClinVar variation 1492345 (VCV001492345.6), dbSNP rs770831815, ClinGen allele CA3263608.